The following is an entry in ClinVar:

ClinVar aggregate classification (germline): Uncertain significance (1 of 4 stars; one submission).

Conditions:
Deficiency of acetyl-CoA acetyltransferase. Also called: MITOCHONDRIAL ACETOACETYL-CoA THIOLASE DEFICIENCY; Beta-ketothiolase deficiency; 3-KETOTHIOLASE DEFICIENCY; 3-OXOTHIOLASE DEFICIENCY. Identifiers: Orphanet 134, MedGen C1536500, MONDO:0008760, OMIM 203750. Disease mechanism: loss of function.

Submission:

Labcorp Genetics (formerly Invitae), Labcorp
Classification: Uncertain significance for Deficiency of acetyl-CoA acetyltransferase. Last evaluated: 2024-03-12. Review status: criteria provided, single submitter. Criteria: Invitae Variant Classification Sherloc (09022015). Collection method: clinical testing. Allele origin: germline.
Comment: This sequence change replaces valine, which is neutral and non-polar, with isoleucine, which is neutral and non-polar, at codon 159 of the ACAT1 protein (p.Val159Ile). This variant is not present in population databases (gnomAD no frequency). This variant has not been reported in the literature in individuals affected with ACAT1-related conditions. ClinVar contains an entry for this variant (Variation ID: 2196002). Advanced modeling of protein sequence and biophysical properties (such as structural, functional, and spatial information, amino acid conservation, physicochemical variation, residue mobility, and thermodynamic stability) performed at Invitae indicates that this missense variant is expected to disrupt ACAT1 protein function with a positive predictive value of 80%. In summary, the available evidence is currently insufficient to determine the role of this variant in disease. Therefore, it has been classified as a Variant of Uncertain Significance.

NM_000019.4(ACAT1):c.475G>A (p.Val159Ile)

Gene: ACAT1 (acetyl-CoA acetyltransferase 1; plus strand). Cytogenetic location: 11q22.3.
Variant type: single nucleotide variant.
Coding change: c.475G>A on transcript NM_000019.4 (MANE Select); coding-DNA position 475, G replaced by A.
Protein change: p.Val159Ile; replaces valine 159 with isoleucine.
Molecular consequence: missense variant. On other transcripts: non-coding transcript variant (2).
Genome position (GRCh38, 1-based): chr11:108,138,937, G>A. VCF-style: chr11-108138937-G-A. GRCh37 (hg19) VCF-style: chr11-108009664-G-A.
Other names: c.475G>A, p.Val159Ile (NM_001386677.1); c.160G>A, p.Val54Ile (NM_001386678.1); c.178G>A, p.Val60Ile (NM_001386679.1); c.205G>A, p.Val69Ile (NM_001386681.1, NM_001386682.1, NM_001386685.1 and 6 more transcripts); short protein forms V60I, V159I, V69I, V54I.
Identifiers: ClinVar variation 2196002 (VCV002196002.4), dbSNP rs2496612869, ClinGen allele CA382507129.